The following is an entry in ClinVar:

ClinVar aggregate classification (germline): Likely benign (1 of 4 stars; one submission).

Submission:

CeGaT Center for Human Genetics Tuebingen
Classification: Likely benign. Last evaluated: 2025-07-01. Review status: criteria provided, single submitter. Criteria: CeGaT Center For Human Genetics Tuebingen Variant Classification Criteria Version 2. Collection method: clinical testing. Allele origin: germline. Affected: yes. Observed: 1 variant allele.
Comment: SETD1B: PM2:Supporting, BP4, BP7

NM_001353345.2(SETD1B):c.4638A>T (p.Gly1546=)

Gene: SETD1B (SET domain containing 1B, histone lysine methyltransferase; plus strand). Cytogenetic location: 12q24.31.
Variant type: single nucleotide variant.
Coding change: c.4638A>T on transcript NM_001353345.2 (MANE Select); coding-DNA position 4638, A replaced by T.
Protein change: p.Gly1546=; no amino-acid change (glycine 1546 retained).
Molecular consequence: synonymous variant.
Genome position (GRCh38, 1-based): chr12:121,823,217, A>T. VCF-style: chr12-121823217-A-T. GRCh37 (hg19) VCF-style: chr12-122261123-A-T.
Identifiers: ClinVar variation 4085405 (VCV004085405.8).